The following is an entry in ClinVar:

ClinVar aggregate classification (germline): Uncertain significance (1 of 4 stars; one submission).

Submission:

Labcorp Genetics (formerly Invitae), Labcorp
Classification: Uncertain significance. Last evaluated: 2024-02-20. Review status: criteria provided, single submitter. Criteria: Invitae Variant Classification Sherloc (09022015). Collection method: clinical testing. Allele origin: germline.
Comment: This sequence change replaces methionine, which is neutral and non-polar, with valine, which is neutral and non-polar, at codon 826 of the KMT2B protein (p.Met826Val). This variant is not present in population databases (gnomAD no frequency). This variant has not been reported in the literature in individuals affected with KMT2B-related conditions. Advanced modeling of protein sequence and biophysical properties (such as structural, functional, and spatial information, amino acid conservation, physicochemical variation, residue mobility, and thermodynamic stability) performed at Invitae indicates that this missense variant is not expected to disrupt KMT2B protein function with a negative predictive value of 80%. In summary, the available evidence is currently insufficient to determine the role of this variant in disease. Therefore, it has been classified as a Variant of Uncertain Significance.

NM_014727.3(KMT2B):c.2476A>G (p.Met826Val)

Gene: KMT2B (lysine methyltransferase 2B; plus strand). Cytogenetic location: 19q13.12.
Variant type: single nucleotide variant.
Coding change: c.2476A>G on transcript NM_014727.3 (MANE Select); coding-DNA position 2476, A replaced by G.
Protein change: p.Met826Val; replaces methionine 826 with valine.
Molecular consequence: missense variant.
Genome position (GRCh38, 1-based): chr19:35,722,377, A>G. VCF-style: chr19-35722377-A-G. GRCh37 (hg19) VCF-style: chr19-36213279-A-G.
Other names: short protein forms M826V.
Identifiers: ClinVar variation 3677041 (VCV003677041.2).